The following is an entry in ClinVar:

ClinVar aggregate classification (germline): Pathogenic (1 of 4 stars; one submission).

Conditions:
Lynch syndrome 4 (LYNCH4). Also called: Hereditary non-polyposis colorectal cancer, type 4; Colorectal cancer, hereditary nonpolyposis, type 4. Identifiers: Orphanet 144, MedGen C1838333, MONDO:0013699, OMIM 614337. Disease mechanism: loss of function.

Submission:

Myriad Genetics, Inc.
Classification: Pathogenic for Lynch syndrome 4. Last evaluated: 2023-09-20. Review status: criteria provided, single submitter. Criteria: Myriad Autosomal Dominant, Autosomal Recessive and X-Linked Classification Criteria (2023). Collection method: clinical testing. Allele origin: unknown.
Comment: This variant is considered pathogenic. This variant creates a frameshift predicted to result in premature protein truncation.

NM_000535.7(PMS2):c.1249_1253dup (p.Arg419fs)

Gene: PMS2 (PMS1 homolog 2, mismatch repair system component; minus strand). Cytogenetic location: 7p22.1.
Variant type: Duplication.
Coding change: c.1249_1253dup on transcript NM_000535.7 (MANE Select); coding-DNA positions 1249 to 1253, 5 bases duplicated (ATTTC; older notation c.1249_1253dupATTTC).
Protein change: p.Arg419fs; shifts the reading frame from arginine 419.
Molecular consequence: frameshift variant. On other transcripts: non-coding transcript variant (1), intron variant (1).
Genome position (GRCh38, 1-based): chr7:5,987,512-5,987,516, GAAAT duplicated on the plus strand (ATTTC on the coding strand, the reverse complement: PMS2 is on the minus strand); duplicating any 5 consecutive bases within chr7:5,987,512-5,987,517 gives the same sequence; the c. name uses the placement nearest the transcript's 3' end. VCF-style (leftmost placement, unchanged base first): chr7-5987511-G-GGAAAT. GRCh37 (hg19) VCF-style: chr7-6027142-G-GGAAAT.
Other names: c.843_847dup, p.Arg284Phefs (NM_001018040.1); c.844_848dup, p.Arg284fs (NM_001322003.2, NM_001322004.2, NM_001322005.2 and 16 more transcripts); c.1093_1097dup, p.Arg367fs (NM_001322006.2, NM_001406870.1); c.931_935dup, p.Arg313fs (NM_001322007.2, NM_001322008.2, NM_001406876.1 and 2 more transcripts); c.688_692dup, p.Arg232fs (NM_001322010.2, NM_001406906.1, NM_001406907.1); c.316_320dup, p.Arg108fs (NM_001322011.2, NM_001322012.2); c.676_680dup, p.Arg228fs (NM_001322013.2, NM_001406909.1); c.1249_1253dup, p.Arg419fs (NM_001322014.2, NM_001406871.1, NM_001406872.1); and 14 more; short protein forms R108fs, R162fs, R228fs, R232fs, R248fs, R261fs, R264fs, R284fs.
Identifiers: ClinVar variation 2674252 (VCV002674252.1), dbSNP rs2535825731, ClinGen allele CA2695198450.
Genomic context (GRCh38, chr7:5,987,511, plus strand): 5'-CTTTGGGCTGTGAGGCTTGTTCTCTGTTGTGTGACGAAGAGAAAAGGCCTCTCGCAGTCT[G>GGAAAT]GAAATGGACACGTCTTTTTTTTCTTCTCCAGTCCTTAATGAAGGGGATTGATCCTGCTTT-3'